The following is an entry in ClinVar:

ClinVar aggregate classification (germline): Benign (1 of 4 stars; one submission).

Allele frequency attached by ClinVar (database versions not stated): gnomAD exomes 0.00038; ExAC 0.00106; ESP Exome Variant Server 0.00274; 1000 Genomes Project 0.00319; gnomAD 0.00330; 1000 Genomes Project 30x 0.00515.
gnomAD v4.1: 1,067 of 1,605,288 alleles (0.066%); highest among the groups gnomAD compares: African/African-American, 1.2%; 8 homozygotes.

Submission:

CeGaT Center for Human Genetics Tuebingen
Classification: Benign. Last evaluated: 2023-02-01. Review status: criteria provided, single submitter. Criteria: CeGaT Center For Human Genetics Tuebingen Variant Classification Criteria Version 2. Collection method: clinical testing. Allele origin: germline. Affected: yes. Observed: 1 variant allele.
Comment: AHNAK2: BP4, BS1, BS2

NM_138420.4(AHNAK2):c.11759T>C (p.Val3920Ala)

Gene: AHNAK2 (AHNAK nucleoprotein 2; minus strand). Cytogenetic location: 14q32.33.
Variant type: single nucleotide variant.
Coding change: c.11759T>C on transcript NM_138420.4 (MANE Select); coding-DNA position 11759, T replaced by C.
Protein change: p.Val3920Ala; replaces valine 3920 with alanine.
Molecular consequence: missense variant.
Genome position (GRCh38, 1-based): chr14:104,943,692, A>G on the plus strand (T>C on the coding strand, the complement: AHNAK2 is on the minus strand). VCF-style: chr14-104943692-A-G. GRCh37 (hg19) VCF-style: chr14-105410029-A-G.
Other names: c.11459T>C, p.Val3820Ala (NM_001350929.2); short protein forms V3820A, V3920A.
Identifiers: ClinVar variation 2644651 (VCV002644651.24), dbSNP rs185391570, ClinGen allele CA7378618.